The following is an entry in ClinVar:

NM_152424.4(AMER1):c.1997T>C (p.Leu666Pro)

Gene: AMER1 (APC membrane recruitment protein 1; minus strand). Cytogenetic location: Xq11.2.
Variant type: single nucleotide variant.
Coding change: c.1997T>C on transcript NM_152424.4 (MANE Select); coding-DNA position 1997, T replaced by C.
Protein change: p.Leu666Pro; replaces leucine 666 with proline.
Molecular consequence: missense variant.
Genome position (GRCh38, 1-based): chrX:64,191,290, A>G on the plus strand (T>C on the coding strand, the complement: AMER1 is on the minus strand). VCF-style: chrX-64191290-A-G. GRCh37 (hg19) VCF-style: chrX-63411170-A-G.
Other names: short protein forms L666P.
Identifiers: ClinVar variation 1976338 (VCV001976338.5), dbSNP rs774747000, ClinGen allele CA10432252.

ClinVar aggregate classification (germline): Uncertain significance (1 of 4 stars; one submission).

Allele frequency attached by ClinVar (database versions not stated): gnomAD exomes below 0.00001; ExAC 0.00001.

Submission:

Labcorp Genetics (formerly Invitae), Labcorp
Classification: Uncertain significance. Last evaluated: 2022-08-10. Review status: criteria provided, single submitter. Criteria: Invitae Variant Classification Sherloc (09022015). Collection method: clinical testing. Allele origin: germline.
Comment: This variant is present in population databases (rs774747000, gnomAD 0.01%). This variant has not been reported in the literature in individuals affected with AMER1-related conditions. Algorithms developed to predict the effect of missense changes on protein structure and function are either unavailable or do not agree on the potential impact of this missense change (SIFT: "Deleterious"; PolyPhen-2: "Probably Damaging"; Align-GVGD: "Class C0"). In summary, the available evidence is currently insufficient to determine the role of this variant in disease. Therefore, it has been classified as a Variant of Uncertain Significance. This sequence change replaces leucine, which is neutral and non-polar, with proline, which is neutral and non-polar, at codon 666 of the AMER1 protein (p.Leu666Pro).